The following is an entry in ClinVar:

NM_004447.6(EPS8):c.1083G>A (p.Leu361=)

Gene: EPS8 (EGFR pathway substrate 8, signaling adaptor; minus strand). Cytogenetic location: 12p12.3.
Variant type: single nucleotide variant.
Coding change: c.1083G>A on transcript NM_004447.6 (MANE Select); coding-DNA position 1083, G replaced by A.
Protein change: p.Leu361=; no amino-acid change (leucine 361 retained).
Molecular consequence: synonymous variant.
Genome position (GRCh38, 1-based): chr12:15,658,097, C>T on the plus strand (G>A on the coding strand, the complement: EPS8 is on the minus strand). VCF-style: chr12-15658097-C-T. GRCh37 (hg19) VCF-style: chr12-15811031-C-T.
Identifiers: ClinVar variation 509515 (VCV000509515.17), dbSNP rs76040570, ClinGen allele CA6467675.

ClinVar aggregate classification (germline): Benign/Likely benign. Review status: criteria provided, multiple submitters, no conflicts (2 of 4 stars). 5 submissions from 5 submitters: Benign (1); Likely benign (3). 1 of the submissions does not count toward it. Last evaluated 2026-07-01.

Conditions:
EPS8-related disorder. Also called: EPS8-related condition.

Allele frequency attached by ClinVar (database versions not stated): TOPMed 0.00079; 1000 Genomes Project 0.00080; gnomAD 0.00091; ESP Exome Variant Server 0.00092; 1000 Genomes Project 30x 0.00094; ExAC 0.00097; gnomAD exomes 0.00120 and 0.00121.
gnomAD v4.1: 1,896 of 1,606,034 alleles (0.12%); highest among the groups gnomAD compares: Middle Eastern, 0.3%; 2 homozygotes.

Submissions (5):

CeGaT Center for Human Genetics Tuebingen
Classification: Likely benign. Last evaluated: 2026-07-01. Review status: criteria provided, single submitter. Criteria: CeGaT Center For Human Genetics Tuebingen Variant Classification Criteria Version 2. Collection method: clinical testing. Allele origin: germline. Affected: yes. Observed: 2 variant alleles.
Comment: EPS8: BP4, BP7

Labcorp Genetics (formerly Invitae), Labcorp
Classification: Likely benign. Last evaluated: 2025-04-26. Review status: criteria provided, single submitter. Criteria: Invitae Variant Classification Sherloc (09022015). Collection method: clinical testing. Allele origin: germline.

Blueprint Genetics
Classification: Likely benign. Last evaluated: 2024-11-18. Review status: criteria provided, single submitter. Criteria: ACMG Guidelines, 2015. Collection method: clinical testing. Allele origin: germline.

GeneDx
Classification: Benign. Last evaluated: 2019-01-15. Review status: criteria provided, single submitter. Criteria: GeneDx Variant Classification Process June 2021. Collection method: clinical testing. Allele origin: germline. Affected: yes.

PreventionGenetics, part of Exact Sciences
Classification: Benign for EPS8-related condition. Last evaluated: 2020-03-31. Review status: no assertion criteria provided. Collection method: clinical testing. Allele origin: germline. Not counted in ClinVar's aggregate classification.
Comment: This variant is classified as benign based on ACMG/AMP sequence variant interpretation guidelines (Richards et al. 2015 PMID: 25741868, with internal and published modifications).